The following is an entry in ClinVar:

ClinVar aggregate classification (germline): Conflicting classifications of pathogenicity. Review status: criteria provided, conflicting classifications (1 of 4 stars). 4 submissions from 4 submitters: Uncertain significance (1); Likely benign (3). Last evaluated 2026-01-05.

Conditions:
Lowe syndrome (OCRL). Also called: Oculocerebrorenal Syndrome; LOWE OCULOCEREBRORENAL SYNDROME; PHOSPHATIDYLINOSITOL 4,5-BISPHOSPHATE 5-PHOSPHATASE DEFICIENCY. Identifiers: Orphanet 534, MedGen C0028860, MONDO:0010645, OMIM 309000.

Allele frequency attached by ClinVar (database versions not stated): TOPMed 0.00002; gnomAD exomes 0.00004; gnomAD 0.00006; ExAC 0.00008.
gnomAD v4.1: 58 of 1,209,081 alleles (0.0048%); highest among the groups gnomAD compares: Admixed American, 0.022%; no homozygotes.

Submissions (4):

Labcorp Genetics (formerly Invitae), Labcorp
Classification: Likely benign for Lowe syndrome. Last evaluated: 2026-01-05. Review status: criteria provided, single submitter. Criteria: Invitae Variant Classification Sherloc (09022015). Collection method: clinical testing. Allele origin: germline.

CeGaT Center for Human Genetics Tuebingen
Classification: Likely benign. Last evaluated: 2025-05-01. Review status: criteria provided, single submitter. Criteria: CeGaT Center For Human Genetics Tuebingen Variant Classification Criteria Version 2. Collection method: clinical testing. Allele origin: germline. Affected: yes. Observed: 1 variant allele.
Comment: OCRL: BS2

GeneDx
Classification: Uncertain significance. Last evaluated: 2024-12-31. Review status: criteria provided, single submitter. Criteria: GeneDx Variant Classification Process June 2021. Collection method: clinical testing. Allele origin: germline. Affected: yes.
Comment: In silico analysis supports a deleterious effect on splicing; Has not been previously published as pathogenic or benign to our knowledge

Blueprint Genetics
Classification: Likely benign. Last evaluated: 2021-12-29. Review status: criteria provided, single submitter. Criteria: ACMG Guidelines, 2015. Collection method: clinical testing. Allele origin: germline.

NM_000276.4(OCRL):c.1584C>T (p.Ser528=)

Gene: OCRL (OCRL inositol polyphosphate-5-phosphatase; plus strand). Cytogenetic location: Xq26.1.
Variant type: single nucleotide variant.
Coding change: c.1584C>T on transcript NM_000276.4 (MANE Select); coding-DNA position 1584, C replaced by T.
Protein change: p.Ser528=; no amino-acid change (serine 528 retained).
Molecular consequence: synonymous variant.
Genome position (GRCh38, 1-based): chrX:129,569,381, C>T. VCF-style: chrX-129569381-C-T. GRCh37 (hg19) VCF-style: chrX-128703358-C-T.
Other names: c.1584C>T (NM_000276.3); c.1587C>T, p.Ser529= (NM_001318784.2); c.1584C>T, p.Ser528= (NM_001587.4).
Identifiers: ClinVar variation 2797589 (VCV002797589.15), dbSNP rs762009796, ClinGen allele CA10512211.